The following is an entry in ClinVar:

NM_000179.3(MSH6):c.1089dup (p.Val364fs)

Gene: MSH6 (mutS homolog 6; plus strand). Cytogenetic location: 2p16.3.
Variant type: Duplication.
Coding change: c.1089dup on transcript NM_000179.3 (MANE Select); coding-DNA position 1089, one base duplicated (T; older notation c.1089dupT).
Protein change: p.Val364fs; shifts the reading frame from valine 364.
Molecular consequence: frameshift variant.
Genome position (GRCh38, 1-based): chr2:47,799,072, T duplicated. VCF-style (leftmost placement, unchanged base first): chr2-47799071-C-CT. GRCh37 (hg19) VCF-style: chr2-48026210-C-CT.
Other names: c.699dup, p.Val234fs (NM_001281492.2); c.183dup, p.Val62fs (NM_001281493.2, NM_001281494.2); short protein forms V234fs, V364fs, V62fs.
Identifiers: ClinVar variation 1049101 (VCV001049101.1), dbSNP rs2104318953, ClinGen allele CA2499216102.
Genomic context (GRCh38, chr2:47,799,071, plus strand): 5'-CTCAAAATTCTGAATCCCAAGCCCACGTTAGTGGAGGTGGTGATGACAGTAGTCGCCCTA[C>CT]TGTTTGGTATCATGAAACTTTAGAATGGCTTAAGGAGGAAAAGAGAAGAGATGAGCACAG-3'

ClinVar aggregate classification (germline): Pathogenic (0 of 4 stars; one submission).

Conditions:
Carcinoma of colon (CRC). Also called: Colonic carcinoma; Colon carcinoma. Identifiers: MedGen C0699790, MONDO:0002032.

Submission:

Department of Pathology and Laboratory Medicine, Sinai Health System
Classification: Pathogenic for Carcinoma of colon. Review status: no assertion criteria provided. Collection method: clinical testing. Allele origin: unknown. Affected: yes. Observed: 1 variant allele. Study: The Canadian Open Genetics Repository (COGR).
Comment: The MSH6 p.Val364Cysfs*5 variant was not identified in the literature nor was it identified in the dbSNP, ClinVar, COGR, Cosmic, MutDB, UMD-LSDB, Insight Colon Cancer Gene Variant Database, Zhejiang Colon Cancer Database, Mismatch Repair Genes Variant Database, MMR Gene Unclassified Variants Database, Insight Hereditary Tumors Database, the 1000 Genomes Project, the NHLBI GO Exome Sequencing Project, the Exome Aggregation Consortium (August 8th 2016), or the Genome Aggregation Database (Feb 27, 2017). The p.Val364CysfsX5 variant is predicted to cause a frameshift, which alters the protein's amino acid sequence beginning at codon 364 and leads to a premature stop codon at position 368. This alteration is then predicted to result in a truncated or absent protein and loss of function. Loss of function variants of the MSH6 gene are an established mechanism of disease in Lynch syndrome and is the type of variant expected to cause the disorder. In summary, based on the above information this variant meets our laboratoryâ€šÃ„Ã´s criteria to be classified as pathogenic.